The following is an entry in ClinVar:

ClinVar aggregate classification (germline): Likely benign. Review status: criteria provided, multiple submitters, no conflicts (2 of 4 stars). 3 submissions from 3 submitters: Likely benign (3). Last evaluated 2025-06-15.

Conditions:
Cardiovascular phenotype. Identifiers: MedGen CN230736.
Autosomal recessive limb-girdle muscular dystrophy type 2J (LGMDR10). Also called: Limb-girdle muscular dystrophy, type 2J; MUSCULAR DYSTROPHY, LIMB-GIRDLE, AUTOSOMAL RECESSIVE 10. Identifiers: Orphanet 140922, MedGen C1837342, MONDO:0012127, OMIM 608807.
Dilated cardiomyopathy 1G (CMD1G). Identifiers: Orphanet 154, MedGen C1858763, MONDO:0011400, OMIM 604145.

Submissions (3):

Ambry Genetics
Classification: Likely benign for Cardiovascular phenotype. Last evaluated: 2025-06-15. Review status: criteria provided, single submitter. Criteria: Ambry Variant Classification Scheme 2023. Collection method: clinical testing. Allele origin: germline.

Labcorp Genetics (formerly Invitae), Labcorp
Classification: Likely benign for Dilated cardiomyopathy 1G; Autosomal recessive limb-girdle muscular dystrophy type 2J. Last evaluated: 2022-02-18. Review status: criteria provided, single submitter. Criteria: Invitae Variant Classification Sherloc (09022015). Collection method: clinical testing. Allele origin: germline.

GeneDx
Classification: Likely benign. Last evaluated: 2017-01-16. Review status: criteria provided, single submitter. Criteria: GeneDx Variant Classification (06012015). Collection method: clinical testing. Allele origin: germline. Affected: yes.
Comment: This variant is considered likely benign or benign based on one or more of the following criteria: it is a conservative change, it occurs at a poorly conserved position in the protein, it is predicted to be benign by multiple in silico algorithms, and/or has population frequency not consistent with disease.

NM_001267550.2(TTN):c.66372C>A (p.Thr22124=)

Genes: TTN-AS1 (TTN antisense RNA 1; plus strand), TTN (titin; minus strand). Cytogenetic location: 2q31.2.
Variant type: single nucleotide variant.
Coding change: c.66372C>A on transcript NM_001267550.2 (MANE Select); coding-DNA position 66372, C replaced by A.
Protein change: p.Thr22124=; no amino-acid change (threonine 22124 retained).
Molecular consequence: synonymous variant.
Genome position (GRCh38, 1-based): chr2:178,581,997, G>T on the plus strand (C>A on the coding strand, the complement: TTN is on the minus strand). VCF-style: chr2-178581997-G-T. GRCh37 (hg19) VCF-style: chr2-179446724-G-T.
Other names: c.61449C>A, p.Thr20483= (NM_001256850.1); c.39177C>A, p.Thr13059= (NM_003319.4); c.58668C>A, p.Thr19556= (NM_133378.4); c.39552C>A, p.Thr13184= (NM_133432.3); c.39753C>A, p.Thr13251= (NM_133437.4).
Identifiers: ClinVar variation 392680 (VCV000392680.7), dbSNP rs756981729, ClinGen allele CA16604129.